The following is an entry in ClinVar:

ClinVar aggregate classification (germline): Benign/Likely benign. Review status: criteria provided, multiple submitters, no conflicts (2 of 4 stars). 2 submissions from 2 submitters: Benign (1); Likely benign (1). Last evaluated 2020-07-19.

Conditions:
Polycystic lipomembranous osteodysplasia with sclerosing leukoencephalopathy 1 (PLOSL1). Also called: TYROBP-Related Polycystic Lipomembranous Osteodysplasia with Sclerosing Leukoencephalopathy; TREM2-Related Polycystic Lipomembranous Osteodysplasia with Sclerosing Leukoencephalopathy. Identifiers: Orphanet 2770, MedGen C4721893, MONDO:0020749, OMIM 221770.

Allele frequency attached by ClinVar (database versions not stated): gnomAD exomes 0.00113; ExAC 0.00248; 1000 Genomes Project 0.00439; gnomAD 0.00455 and 0.00500; 1000 Genomes Project 30x 0.00484; TOPMed 0.00518.
gnomAD v4.1: 1,057 of 902,192 alleles (0.12%); highest among the groups gnomAD compares: African/African-American, 1.6%; 14 homozygotes.

Submissions (2):

GeneDx
Classification: Likely benign. Last evaluated: 2020-07-19. Review status: criteria provided, single submitter. Criteria: GeneDx Variant Classification Process June 2021. Collection method: clinical testing. Allele origin: germline. Affected: yes.

Illumina Laboratory Services, Illumina
Classification: Benign for Polycystic lipomembranous osteodysplasia with sclerosing leukoencephalopathy 1. Last evaluated: 2018-01-13. Review status: criteria provided, single submitter. Criteria: ICSL Variant Classification Criteria 13 December 2019. Collection method: clinical testing. Allele origin: germline.
Comment: This variant was observed in the ICSL laboratory as part of a predisposition screen in an ostensibly healthy population. It had not been previously curated by ICSL or reported in the Human Gene Mutation Database (HGMD: prior to June 1st, 2018), and was therefore a candidate for classification through an automated scoring system. Utilizing variant allele frequency, disease prevalence and penetrance estimates, and inheritance mode, an automated score was calculated to assess if this variant is too frequent to cause the disease. Based on the score and internal cut-off values, a variant classified as benign is not then subjected to further curation. The score for this variant resulted in a classification of benign for this disease.

NM_003332.4(TYROBP):c.*140T>C

Gene: TYROBP (transmembrane immune signaling adaptor TYROBP; minus strand). Cytogenetic location: 19q13.12.
Variant type: single nucleotide variant.
Coding change: c.*140T>C on transcript NM_003332.4 (MANE Select); 140 bases downstream of the stop codon, T replaced by C.
Molecular consequence: 3 prime UTR variant. On other transcripts: non-coding transcript variant (1).
Genome position (GRCh38, 1-based): chr19:35,904,429, A>G on the plus strand (T>C on the coding strand, the complement: TYROBP is on the minus strand). VCF-style: chr19-35904429-A-G. GRCh37 (hg19) VCF-style: chr19-36395331-A-G.
Other names: c.*140T>C (NM_001173514.2, NM_001173515.2, NM_198125.3).
Identifiers: ClinVar variation 328888 (VCV000328888.7), dbSNP rs113207157, ClinGen allele CA9392973.